The following is an entry in ClinVar:

NM_033100.4(CDHR1):c.525+1G>T

Gene: CDHR1 (cadherin related family member 1; plus strand). Cytogenetic location: 10q23.1.
Variant type: single nucleotide variant.
Coding change: c.525+1G>T on transcript NM_033100.4 (MANE Select); the canonical splice donor site of the intron after coding-DNA position 525, G replaced by T.
Molecular consequence: splice donor variant.
Genome position (GRCh38, 1-based): chr10:84,200,688, G>T. VCF-style: chr10-84200688-G-T. GRCh37 (hg19) VCF-style: chr10-85960444-G-T.
Other names: c.525+1G>T (NM_001171971.3).
Identifiers: ClinVar variation 1455858 (VCV001455858.6), dbSNP rs373412516, ClinGen allele CA5579558.

ClinVar aggregate classification (germline): Pathogenic (1 of 4 stars; one submission).

Submission:

Labcorp Genetics (formerly Invitae), Labcorp
Classification: Pathogenic. Last evaluated: 2025-04-17. Review status: criteria provided, single submitter. Criteria: Invitae Variant Classification Sherloc (09022015). Collection method: clinical testing. Allele origin: germline.
Comment: This sequence change affects a donor splice site in intron 6 of the CDHR1 gene. It is expected to disrupt RNA splicing. Variants that disrupt the donor or acceptor splice site typically lead to a loss of protein function (PMID: 16199547), and loss-of-function variants in CDHR1 are known to be pathogenic (PMID: 23044944, 23591405, 26103963, 26261414). This variant is present in population databases (rs373412516, gnomAD 0.01%). Disruption of this splice site has been observed in individuals with clinical features of inherited retinal disease (internal data). ClinVar contains an entry for this variant (Variation ID: 1455858). Algorithms developed to predict the effect of sequence changes on RNA splicing suggest that this variant may disrupt the consensus splice site. For these reasons, this variant has been classified as Pathogenic.

Literature cited by the submitters: PubMed 16199547; PubMed 23044944; PubMed 23591405; PubMed 26103963; PubMed 26261414.